The following is an entry in ClinVar:

ClinVar aggregate classification (germline): Benign/Likely benign. Review status: criteria provided, multiple submitters, no conflicts (2 of 4 stars). 4 submissions from 4 submitters: Benign (1); Likely benign (3). Last evaluated 2024-11-21.

Conditions:
Weill-Marchesani syndrome. Also called: WM Syndrome; Mesodermal dysmorphodystrophy congenital. Identifiers: Orphanet 3449, MedGen C0265313, MONDO:0018096.

Allele frequency attached by ClinVar (database versions not stated): ESP Exome Variant Server 0.00294; gnomAD 0.00369 and 0.00385; TOPMed 0.00396; 1000 Genomes Project 0.00599; 1000 Genomes Project 30x 0.00609; gnomAD exomes 0.00036 and 0.00103; ExAC 0.00264.
gnomAD v4.1: 1,115 of 1,577,292 alleles (0.071%); highest among the groups gnomAD compares: African/African-American, 1.3%; 9 homozygotes.

Submissions (4):

Blueprint Genetics
Classification: Likely benign. Last evaluated: 2024-11-21. Review status: criteria provided, single submitter. Criteria: ACMG Guidelines, 2015. Collection method: clinical testing. Allele origin: germline.

GeneDx
Classification: Likely benign. Last evaluated: 2021-05-11. Review status: criteria provided, single submitter. Criteria: GeneDx Variant Classification Process June 2021. Collection method: clinical testing. Allele origin: germline. Affected: yes.

Illumina Laboratory Services, Illumina
Classification: Benign for Weill-Marchesani syndrome. Last evaluated: 2018-01-13. Review status: criteria provided, single submitter. Criteria: ICSL Variant Classification Criteria 13 December 2019. Collection method: clinical testing. Allele origin: germline.
Comment: This variant was observed in the ICSL laboratory as part of a predisposition screen in an ostensibly healthy population. It had not been previously curated by ICSL or reported in the Human Gene Mutation Database (HGMD: prior to June 1st, 2018), and was therefore a candidate for classification through an automated scoring system. Utilizing variant allele frequency, disease prevalence and penetrance estimates, and inheritance mode, an automated score was calculated to assess if this variant is too frequent to cause the disease. Based on the score and internal cut-off values, a variant classified as benign is not then subjected to further curation. The score for this variant resulted in a classification of benign for this disease.

Breakthrough Genomics
Classification: Likely benign. Review status: criteria provided, single submitter. Criteria: ACMG Guidelines, 2015. Collection method: not provided. Allele origin: germline. Inheritance: Autosomal recessive inheritance. Affected: yes.

NM_030957.4(ADAMTS10):c.*20G>A

Gene: ADAMTS10 (ADAM metallopeptidase with thrombospondin type 1 motif 10; minus strand). Cytogenetic location: 19p13.2.
Variant type: single nucleotide variant.
Coding change: c.*20G>A on transcript NM_030957.4 (MANE Select); 20 bases downstream of the stop codon, G replaced by A.
Molecular consequence: 3 prime UTR variant.
Genome position (GRCh38, 1-based): chr19:8,580,873, C>T on the plus strand (G>A on the coding strand, the complement: ADAMTS10 is on the minus strand). VCF-style: chr19-8580873-C-T. GRCh37 (hg19) VCF-style: chr19-8645757-C-T.
Other names: c.*20G>A (NM_001282352.2).
Identifiers: ClinVar variation 893868 (VCV000893868.7), dbSNP rs137928083, ClinGen allele CA9159932.
Genomic context (GRCh38, chr19:8,580,873, plus strand): 5'-CCGGGGCCCCCTCTGGCCGGCCCGCTGCAGGGCTGGCGGCGGAGACCCCGCCAGCTGTGG[C>T]TCCGGGTGCCGCGCGCCCCCTAGTGGCCATGGCAGGTTTTGCAGCACATCTGGCGGAAGT-3'